The following is an entry in ClinVar:

ClinVar aggregate classification (germline): Uncertain significance. Review status: criteria provided, multiple submitters, no conflicts (2 of 4 stars). 5 submissions from 5 submitters: Uncertain significance (5). Last evaluated 2025-10-01.

Conditions:
Inborn genetic diseases. Identifiers: MedGen C0950123, MeSH D030342.
Deficiency of cytochrome-b5 reductase. Also called: NADH-DEPENDENT METHEMOGLOBIN REDUCTASE DEFICIENCY; METHEMOGLOBINEMIA, CONGENITAL, AUTOSOMAL RECESSIVE. Identifiers: Orphanet 621, MedGen C0268193, MONDO:0009606, OMIM 250800.

Allele frequency attached by ClinVar (database versions not stated): ExAC 0.00006; gnomAD 0.00009 and 0.00010; TOPMed 0.00009; gnomAD exomes 0.00012; 1000 Genomes Project 0.00020; 1000 Genomes Project 30x 0.00031.
gnomAD v4.1: 193 of 1,613,888 alleles (0.012%); highest among the groups gnomAD compares: Middle Eastern, 0.033%; no homozygotes.

Submissions (5):

Ambry Genetics
Classification: Uncertain significance for Inborn genetic diseases. Last evaluated: 2025-10-01. Review status: criteria provided, single submitter. Criteria: Ambry Variant Classification Scheme 2023. Collection method: clinical testing. Allele origin: germline.

Labcorp Genetics (formerly Invitae), Labcorp
Classification: Uncertain significance. Last evaluated: 2022-03-14. Review status: criteria provided, single submitter. Criteria: Invitae Variant Classification Sherloc (09022015). Collection method: clinical testing. Allele origin: germline.
Comment: This sequence change replaces arginine, which is basic and polar, with histidine, which is basic and polar, at codon 192 of the CYB5R3 protein (p.Arg192His). This variant is present in population databases (rs200581263, gnomAD 0.03%). This variant has not been reported in the literature in individuals affected with CYB5R3-related conditions. ClinVar contains an entry for this variant (Variation ID: 252533). Algorithms developed to predict the effect of missense changes on protein structure and function are either unavailable or do not agree on the potential impact of this missense change (SIFT: "Deleterious"; PolyPhen-2: "Benign"; Align-GVGD: "Class C0"). This variant disrupts the p.Arg192 amino acid residue in CYB5R3. Other variant(s) that disrupt this residue have been determined to be pathogenic (PMID: 29482478). This suggests that this residue is clinically significant, and that variants that disrupt this residue are likely to be disease-causing. In summary, the available evidence is currently insufficient to determine the role of this variant in disease. Therefore, it has been classified as a Variant of Uncertain Significance.

Fulgent Genetics
Classification: Uncertain significance for Deficiency of cytochrome-b5 reductase. Last evaluated: 2021-10-20. Review status: criteria provided, single submitter. Criteria: ACMG Guidelines, 2015. Collection method: clinical testing. Allele origin: unknown.

Genomic Diagnostic Laboratory, Division of Genomic Diagnostics, Children's Hospital of Philadelphia
Classification: Uncertain significance. Last evaluated: 2015-11-04. Review status: criteria provided, single submitter. Criteria: DGD Variant Analysis Guidelines. Collection method: clinical testing. Allele origin: unknown.

Breakthrough Genomics
Classification: Uncertain significance. Review status: criteria provided, single submitter. Criteria: ACMG Guidelines, 2015. Collection method: not provided. Allele origin: germline. Inheritance: Autosomal dominant inheritance. Affected: yes.

Literature cited by the submitters: PubMed 29482478 (cited by Labcorp Genetics (formerly Invitae), Labcorp).

NM_000398.7(CYB5R3):c.575G>A (p.Arg192His)

Gene: CYB5R3 (cytochrome b5 reductase 3; minus strand). Cytogenetic location: 22q13.2.
Variant type: single nucleotide variant.
Coding change: c.575G>A on transcript NM_000398.7 (MANE Select); coding-DNA position 575, G replaced by A.
Protein change: p.Arg192His; replaces arginine 192 with histidine.
Molecular consequence: missense variant.
Genome position (GRCh38, 1-based): chr22:42,627,362, C>T on the plus strand (G>A on the coding strand, the complement: CYB5R3 is on the minus strand). VCF-style: chr22-42627362-C-T. GRCh37 (hg19) VCF-style: chr22-43023368-C-T.
Other names: c.506G>A, p.Arg169His (NM_001129819.2, NM_001171661.1, NM_007326.4); c.674G>A, p.Arg225His (NM_001171660.2); c.575G>A (NM_000398.6); short protein forms R169H, R192H, R225H.
Identifiers: ClinVar variation 252533 (VCV000252533.8), dbSNP rs200581263, ClinGen allele CA10269653.
Genomic context (GRCh38, chr22:42,627,362, plus strand): 5'-ACCTGGTTGGCAAAGAGCAGGTGGCACACAGTGTGGTCATCAGGGTCCTTCATGATGGCG[C>T]GGATCACCTGCAGCATCGGGGTGATGCCTGCAAAATAGCCGGCCGGGCCTCGCACGTGCT-3'
Protein context (NP_000389.1, residues 182-202): TGITPMLQVI[Arg192His]AIMKDPDDHT